The following is an entry in ClinVar:

ClinVar aggregate classification (germline): Uncertain significance (1 of 4 stars; one submission).

Submission:

Labcorp Genetics (formerly Invitae), Labcorp
Classification: Uncertain significance. Last evaluated: 2023-09-22. Review status: criteria provided, single submitter. Criteria: Invitae Variant Classification Sherloc (09022015). Collection method: clinical testing. Allele origin: germline.
Comment: This sequence change affects codon 509 of the EFTUD2 mRNA. It is a 'silent' change, meaning that it does not change the encoded amino acid sequence of the EFTUD2 protein. This variant is not present in population databases (gnomAD no frequency). This variant has not been reported in the literature in individuals affected with EFTUD2-related conditions. Algorithms developed to predict the effect of sequence changes on RNA splicing suggest that this variant may disrupt the consensus splice site. In summary, the available evidence is currently insufficient to determine the role of this variant in disease. Therefore, it has been classified as a Variant of Uncertain Significance.

NM_004247.4(EFTUD2):c.1527A>T (p.Val509=)

Gene: EFTUD2 (elongation factor Tu GTP binding domain containing 2; minus strand). Cytogenetic location: 17q21.31.
Variant type: single nucleotide variant.
Coding change: c.1527A>T on transcript NM_004247.4 (MANE Select); coding-DNA position 1527, A replaced by T.
Protein change: p.Val509=; no amino-acid change (valine 509 retained).
Molecular consequence: synonymous variant.
Genome position (GRCh38, 1-based): chr17:44,862,793, T>A on the plus strand (A>T on the coding strand, the complement: EFTUD2 is on the minus strand). VCF-style: chr17-44862793-T-A. GRCh37 (hg19) VCF-style: chr17-42940161-T-A.
Other names: c.1422A>T, p.Val474= (NM_001142605.2); c.1527A>T, p.Val509= (NM_001258353.2); c.1497A>T, p.Val499= (NM_001258354.2).
Identifiers: ClinVar variation 2762564 (VCV002762564.3), dbSNP rs2508762456, ClinGen allele CA500313020.